The following is an entry in ClinVar:

NM_015557.3(CHD5):c.5505C>T (p.Leu1835=)

Gene: CHD5 (chromodomain helicase DNA binding protein 5; minus strand). Cytogenetic location: 1p36.31.
Variant type: single nucleotide variant.
Coding change: c.5505C>T on transcript NM_015557.3 (MANE Select); coding-DNA position 5505, C replaced by T.
Protein change: p.Leu1835=; no amino-acid change (leucine 1835 retained).
Molecular consequence: synonymous variant.
Genome position (GRCh38, 1-based): chr1:6,109,868, G>A on the plus strand (C>T on the coding strand, the complement: CHD5 is on the minus strand). VCF-style: chr1-6109868-G-A. GRCh37 (hg19) VCF-style: chr1-6169928-G-A.
Identifiers: ClinVar variation 4982502 (VCV004982502.1).

ClinVar aggregate classification (germline): Likely benign (1 of 4 stars; one submission).

Conditions:
CHD5-related disorder. Also called: CHD5-related condition.

Submission:

PreventionGenetics, part of Exact Sciences
Classification: Likely benign for CHD5-related condition. Last evaluated: 2025-06-16. Review status: criteria provided, single submitter. Criteria: ACMG Guidelines, 2015. Collection method: clinical testing. Allele origin: germline.
Comment: This variant is classified as likely benign based on ACMG/AMP sequence variant interpretation guidelines (Richards et al. 2015 PMID: 25741868, with internal and published modifications).